The following is an entry in ClinVar:

NM_000921.5(PDE3A):c.73G>A (p.Ala25Thr)

Genes: PDE3A (phosphodiesterase 3A; plus strand), PDE3A-AS1 (PDE3A antisense RNA 1; minus strand). Cytogenetic location: 12p12.2.
Variant type: single nucleotide variant.
Coding change: c.73G>A on transcript NM_000921.5 (MANE Select); coding-DNA position 73, G replaced by A.
Protein change: p.Ala25Thr; replaces alanine 25 with threonine.
Molecular consequence: missense variant. On other transcripts: 5 prime UTR variant (1).
Genome position (GRCh38, 1-based): chr12:20,369,357, G>A. VCF-style: chr12-20369357-G-A. GRCh37 (hg19) VCF-style: chr12-20522291-G-A.
Other names: c.73G>A, p.Ala25Thr (NM_001378407.1); c.-956G>A (NM_001378408.1); short protein forms A25T.
Identifiers: ClinVar variation 2721557 (VCV002721557.3), dbSNP rs559833056, ClinGen allele CA6473343.

ClinVar aggregate classification (germline): Uncertain significance (1 of 4 stars; one submission).

Allele frequency attached by ClinVar (database versions not stated): TOPMed below 0.00001; gnomAD exomes 0.00002; gnomAD 0.00004; ExAC 0.00008.
gnomAD v4.1: 40 of 1,548,730 alleles (0.0026%); highest among the groups gnomAD compares: Middle Eastern, 0.072%; no homozygotes.

Submission:

Labcorp Genetics (formerly Invitae), Labcorp
Classification: Uncertain significance. Last evaluated: 2024-09-06. Review status: criteria provided, single submitter. Criteria: Invitae Variant Classification Sherloc (09022015). Collection method: clinical testing. Allele origin: germline.
Comment: This sequence change replaces alanine, which is neutral and non-polar, with threonine, which is neutral and polar, at codon 25 of the PDE3A protein (p.Ala25Thr). This variant is present in population databases (rs559833056, gnomAD 0.02%). This variant has not been reported in the literature in individuals affected with PDE3A-related conditions. An algorithm developed to predict the effect of missense changes on protein structure and function (PolyPhen-2) suggests that this variant is likely to be tolerated. In summary, the available evidence is currently insufficient to determine the role of this variant in disease. Therefore, it has been classified as a Variant of Uncertain Significance.